The following is an entry in ClinVar:

NM_003738.5(PTCH2):c.2699C>T (p.Pro900Leu)

Gene: PTCH2 (patched 2; minus strand). Cytogenetic location: 1p34.1.
Variant type: single nucleotide variant.
Coding change: c.2699C>T on transcript NM_003738.5 (MANE Select); coding-DNA position 2699, C replaced by T.
Protein change: p.Pro900Leu; replaces proline 900 with leucine.
Molecular consequence: missense variant.
Genome position (GRCh38, 1-based): chr1:44,826,765, G>A on the plus strand (C>T on the coding strand, the complement: PTCH2 is on the minus strand). VCF-style: chr1-44826765-G-A. GRCh37 (hg19) VCF-style: chr1-45292437-G-A.
Other names: c.2699C>T, p.Pro900Leu (NM_001166292.2); c.2699C>T (NM_003738.4); short protein forms P900L.
Identifiers: ClinVar variation 2182045 (VCV002182045.5), dbSNP rs533921632, ClinGen allele CA822900.
Genomic context (GRCh38, chr1:44,826,765, plus strand): 5'-GTCTTCTGGAGGCCACGCAGCAGGAAGGGGAACTGGGCAAACTCCAAGGGCTGAGCTGGC[G>A]GGACTGTGGAGGGGAGGGGAAGGGAGAAGAGGGAGAGGGACAGGGCGGTGAGCACGGGGC-3'
Protein context (NP_003729.3, residues 890-910): YDTTGENLRI[Pro900Leu]PAQPLEFAQF

ClinVar aggregate classification (germline): Uncertain significance. Review status: criteria provided, multiple submitters, no conflicts (2 of 4 stars). 2 submissions from 2 submitters: Uncertain significance (2). Last evaluated 2024-12-03.

Conditions:
Gorlin syndrome. Also called: Basal cell nevus syndrome; Nevoid Basal Cell Carcinoma Syndrome. Identifiers: Orphanet 377, MedGen C0004779, MONDO:0007187.

Allele frequency attached by ClinVar (database versions not stated): gnomAD 0.00001; TOPMed 0.00002; ExAC 0.00003; 1000 Genomes Project 0.00020; 1000 Genomes Project 30x 0.00031.

Submissions (2):

Ambry Genetics
Classification: Uncertain significance. Last evaluated: 2024-12-03. Review status: criteria provided, single submitter. Criteria: Ambry Variant Classification Scheme 2023. Collection method: clinical testing. Allele origin: germline.

Labcorp Genetics (formerly Invitae), Labcorp
Classification: Uncertain significance for Gorlin syndrome. Last evaluated: 2024-08-06. Review status: criteria provided, single submitter. Criteria: Invitae Variant Classification Sherloc (09022015). Collection method: clinical testing. Allele origin: germline.
Comment: This sequence change replaces proline, which is neutral and non-polar, with leucine, which is neutral and non-polar, at codon 900 of the PTCH2 protein (p.Pro900Leu). This variant is present in population databases (rs533921632, gnomAD 0.01%). This variant has not been reported in the literature in individuals affected with PTCH2-related conditions. ClinVar contains an entry for this variant (Variation ID: 2182045). Advanced modeling of protein sequence and biophysical properties (such as structural, functional, and spatial information, amino acid conservation, physicochemical variation, residue mobility, and thermodynamic stability) has been performed at Invitae for this missense variant, however the output from this modeling did not meet the statistical confidence thresholds required to predict the impact of this variant on PTCH2 protein function. In summary, the available evidence is currently insufficient to determine the role of this variant in disease. Therefore, it has been classified as a Variant of Uncertain Significance.